The following is an entry in ClinVar:

ClinVar aggregate classification (germline): Pathogenic/Likely pathogenic. Review status: criteria provided, multiple submitters, no conflicts (2 of 4 stars). 2 submissions from 2 submitters: Pathogenic (1); Likely pathogenic (1). Last evaluated 2025-08-18.

Conditions:
Hereditary cancer-predisposing syndrome. Also called: Neoplastic Syndromes, Hereditary; Hereditary Cancer Syndrome; Hereditary neoplastic syndrome; Tumor predisposition. Identifiers: Orphanet 140162, MedGen C0027672, MeSH D009386, MONDO:0015356.
Cardiovascular phenotype. Identifiers: MedGen CN230736.
Neurofibromatosis, type 1 (NF1). Also called: NEUROFIBROMATOSIS, TYPE I, SOMATIC; VON RECKLINGHAUSEN DISEASE; Neurofibromatosis, type I; Peripheral type neurofibromatosis. Identifiers: Orphanet 636, MedGen C0027831, MONDO:0018975, OMIM 162200. Disease mechanism: loss of function.

Submissions (2):

Ambry Genetics
Classification: Likely pathogenic for Cardiovascular phenotype; Hereditary cancer-predisposing syndrome. Last evaluated: 2025-08-18. Review status: criteria provided, single submitter. Criteria: Ambry Variant Classification Scheme 2023. Collection method: clinical testing. Allele origin: germline.
Comment: The c.2326-1G>A intronic variant results from a G to A substitution one nucleotide upstream from coding exon 20 of the NF1 gene. This variant is considered to be rare based on population cohorts in the Genome Aggregation Database (gnomAD). This nucleotide position is highly conserved in available vertebrate species. In silico splice site analysis predicts that this alteration will weaken the native splice acceptor site and will result in the creation or strengthening of a novel splice acceptor site. RNA studies have demonstrated that this alteration results in abnormal splicing in the set of samples tested (Ambry internal data). Alterations that disrupt the canonical splice site are expected to cause aberrant splicing, resulting in an abnormal protein or a transcript that is subject to nonsense-mediated mRNA decay. As such, this alteration is classified as likely pathogenic.

Labcorp Genetics (formerly Invitae), Labcorp
Classification: Pathogenic for Neurofibromatosis, type 1. Last evaluated: 2023-10-13. Review status: criteria provided, single submitter. Criteria: Invitae Variant Classification Sherloc (09022015). Collection method: clinical testing. Allele origin: germline.
Comment: This sequence change affects an acceptor splice site in intron 19 of the NF1 gene. It is expected to disrupt RNA splicing. Variants that disrupt the donor or acceptor splice site typically lead to a loss of protein function (PMID: 16199547), and loss-of-function variants in NF1 are known to be pathogenic (PMID: 10712197, 23913538). This variant is not present in population databases (gnomAD no frequency). Disruption of this splice site has been observed in individual(s) with neurofibromatosis type 1 (PMID: 12552569, 27838393). ClinVar contains an entry for this variant (Variation ID: 642179). RNA analysis provides insufficient evidence to determine the effect of this variant on NF1 splicing (Invitae). For these reasons, this variant has been classified as Pathogenic.

Literature cited by the submitters: PubMed 16199547 (cited by Labcorp Genetics (formerly Invitae), Labcorp); PubMed 10712197 (cited by Labcorp Genetics (formerly Invitae), Labcorp); PubMed 23913538 (cited by Labcorp Genetics (formerly Invitae), Labcorp); PubMed 12552569 (cited by Labcorp Genetics (formerly Invitae), Labcorp); PubMed 27838393 (cited by Labcorp Genetics (formerly Invitae), Labcorp).

NM_001042492.3(NF1):c.2326-1G>A

Gene: NF1 (neurofibromin 1; plus strand). Cytogenetic location: 17q11.2.
Variant type: single nucleotide variant.
Coding change: c.2326-1G>A on transcript NM_001042492.3 (MANE Select); the canonical splice acceptor site of the intron before coding-DNA position 2326, G replaced by A.
Molecular consequence: splice acceptor variant.
Genome position (GRCh38, 1-based): chr17:31,227,522, G>A. VCF-style: chr17-31227522-G-A. GRCh37 (hg19) VCF-style: chr17-29554540-G-A.
Other names: c.2326-1G>A (NM_000267.4).
Identifiers: ClinVar variation 642179 (VCV000642179.7), dbSNP rs1567848100, ClinGen allele CA398982991.
Genomic context (GRCh38, chr17:31,227,522, plus strand): 5'-AGCTGATTGATGTTTAGCTCTAGACTAAGTTGCTTTCAAGTGATAATTGCCTTCATTTTA[G>A]GCTTGGGAAGATACACATGCAAAATGGGAACAAGCAACAAAGCTAATCCTTAACTATCCA-3'